The following is an entry in ClinVar:

ClinVar aggregate classification (germline): Uncertain significance (1 of 4 stars; one submission).

Allele frequency attached by ClinVar (database versions not stated): ExAC 0.00002.
gnomAD v4.1: 1 of 1,614,176 alleles (0.000062%); highest among the groups gnomAD compares: African/African-American, 0.0013%; no homozygotes.

Submission:

Women's Health and Genetics/Laboratory Corporation of America, LabCorp
Classification: Uncertain significance. Last evaluated: 2024-03-14. Review status: criteria provided, single submitter. Criteria: LabCorp Variant Classification Summary - May 2015. Collection method: clinical testing. Allele origin: germline.
Comment: Variant summary: CRB1 c.3983C>A (p.Ala1328Asp) results in a non-conservative amino acid change located in the EGF-like domain (IPR000742) of the encoded protein sequence. Four of five in-silico tools predict a damaging effect of the variant on protein function. The variant allele was found at a frequency of 8e-06 in 251440 control chromosomes (gnomAD). The available data on variant occurrences in the general population are insufficient to allow any conclusion about variant significance. c.3983C>A has been reported in the literature in a heterozygous individual affected with Retinitis pigmentosa (Wang_2017). This report does not provide unequivocal conclusions about association of the variant with Retinal Dystrophy. To our knowledge, no experimental evidence demonstrating an impact on protein function has been reported. The following publication has been ascertained in the context of this evaluation (PMID: 28838317). No submitters have cited clinical-significance assessments for this variant to ClinVar. Based on the evidence outlined above, the variant was classified as uncertain significance.

Literature cited by the submitters: PubMed 28838317.

NM_201253.3(CRB1):c.3983C>A (p.Ala1328Asp)

Gene: CRB1 (crumbs cell polarity complex component 1; plus strand). Cytogenetic location: 1q31.3.
Variant type: single nucleotide variant.
Coding change: c.3983C>A on transcript NM_201253.3 (MANE Select); coding-DNA position 3983, C replaced by A.
Protein change: p.Ala1328Asp; replaces alanine 1328 with aspartic acid.
Molecular consequence: missense variant. On other transcripts: non-coding transcript variant (2).
Genome position (GRCh38, 1-based): chr1:197,442,270, C>A. VCF-style: chr1-197442270-C-A. GRCh37 (hg19) VCF-style: chr1-197411400-C-A.
Other names: c.3647C>A, p.Ala1216Asp (NM_001193640.2); c.3911C>A, p.Ala1304Asp (NM_001257965.2); c.2375C>A, p.Ala792Asp (NM_001257966.2); short protein forms A1216D, A1304D, A1328D, A792D.
Identifiers: ClinVar variation 3233951 (VCV003233951.2), dbSNP rs762975680, ClinGen allele CA1312454.